The following is an entry in ClinVar:

ClinVar aggregate classification (germline): Benign/Likely benign. Review status: criteria provided, multiple submitters, no conflicts (2 of 4 stars). 5 submissions from 5 submitters: Benign (3); Likely benign (2). Last evaluated 2026-02-03.

Conditions:
Inborn genetic diseases. Identifiers: MedGen C0950123, MeSH D030342.

Allele frequency attached by ClinVar (database versions not stated): gnomAD exomes 0.00017 and 0.00056; ExAC 0.00075; gnomAD 0.00198 and 0.00212; 1000 Genomes Project 0.00200; ESP Exome Variant Server 0.00215; 1000 Genomes Project 30x 0.00219; TOPMed 0.00240.
gnomAD v4.1: 567 of 1,613,996 alleles (0.035%); highest among the groups gnomAD compares: African/African-American, 0.69%; 6 homozygotes.

Submissions (5):

Labcorp Genetics (formerly Invitae), Labcorp
Classification: Benign. Last evaluated: 2026-02-03. Review status: criteria provided, single submitter. Criteria: Invitae Variant Classification Sherloc (09022015). Collection method: clinical testing. Allele origin: germline.

Mayo Clinic Laboratories, Mayo Clinic
Classification: Benign. Last evaluated: 2024-11-15. Review status: criteria provided, single submitter. Criteria: ACMG Guidelines, 2015. Collection method: clinical testing. Allele origin: germline. Observed: 5 variant alleles.
Comment: BS1, BS2, BP4, BP7

Blueprint Genetics
Classification: Likely benign. Last evaluated: 2023-12-27. Review status: criteria provided, single submitter. Criteria: ACMG Guidelines, 2015. Collection method: clinical testing. Allele origin: germline.

Ambry Genetics
Classification: Likely benign for Inborn genetic diseases. Last evaluated: 2022-03-04. Review status: criteria provided, single submitter. Criteria: Ambry Variant Classification Scheme 2023. Collection method: clinical testing. Allele origin: germline.

Breakthrough Genomics
Classification: Benign. Review status: criteria provided, single submitter. Criteria: ACMG Guidelines, 2015. Collection method: not provided. Allele origin: germline. Inheritance: Autosomal recessive inheritance. Affected: yes.

NM_001792.5(CDH2):c.544A>C (p.Arg182=)

Gene: CDH2 (cadherin 2; minus strand). Cytogenetic location: 18q12.1.
Variant type: single nucleotide variant.
Coding change: c.544A>C on transcript NM_001792.5 (MANE Select); coding-DNA position 544, A replaced by C.
Protein change: p.Arg182=; no amino-acid change (arginine 182 retained).
Molecular consequence: synonymous variant.
Genome position (GRCh38, 1-based): chr18:28,011,848, T>G on the plus strand (A>C on the coding strand, the complement: CDH2 is on the minus strand). VCF-style: chr18-28011848-T-G. GRCh37 (hg19) VCF-style: chr18-25591812-T-G.
Other names: p.Arg182=; c.451A>C, p.Arg151= (NM_001308176.2).
Identifiers: ClinVar variation 1663238 (VCV001663238.13), dbSNP rs142765160, ClinGen allele CA8923673.
Genomic context (GRCh38, chr18:28,011,848, plus strand): 5'-TATTTTTAACATACATTTGTCTTGTGGTATGAAAACAGTTAAAATTGTGCCACCTTACCC[T>G]GACAAGCTCTTGAGGAAAAGGTCCCCTGGAGTTTTCTGGCAAGTTGATTGGAGGGATGAC-3'
Protein context (NP_001783.2, residues 172-192): SRGPFPQELV[Arg182=]IRSDRDKNLS